The following is an entry in ClinVar:

NM_000059.4(BRCA2):c.10213G>A (p.Glu3405Lys)

Gene: BRCA2 (BRCA2 DNA repair associated; plus strand). Cytogenetic location: 13q13.1.
Variant type: single nucleotide variant.
Coding change: c.10213G>A on transcript NM_000059.4 (MANE Select); coding-DNA position 10213, G replaced by A.
Protein change: p.Glu3405Lys; replaces glutamic acid 3405 with lysine.
Molecular consequence: missense variant.
Genome position (GRCh38, 1-based): chr13:32,398,726, G>A. VCF-style: chr13-32398726-G-A. GRCh37 (hg19) VCF-style: chr13-32972863-G-A.
Other names: short protein forms E3405K.
Identifiers: ClinVar variation 840814 (VCV000840814.14), dbSNP rs1555290071, ClinGen allele CA387768477.

ClinVar aggregate classification (germline): Uncertain significance. Review status: criteria provided, multiple submitters, no conflicts (2 of 4 stars). 2 submissions from 2 submitters: Uncertain significance (2). Last evaluated 2025-05-15.

Conditions:
Hereditary breast ovarian cancer syndrome. Also called: Hereditary breast and ovarian cancer syndrome (HBOC); Hereditary breast and ovarian cancer; Hereditary breast and/or ovarian cancer syndrome; Hereditary breast and ovarian cancer syndrome; Breast and ovarian cancer; BRCA1- and BRCA2-Associated Hereditary Breast and Ovarian Cancer. Identifiers: Orphanet 145, MedGen C0677776, MeSH D061325, MONDO:0003582. Disease mechanism: loss of function.
Hereditary cancer-predisposing syndrome. Also called: Neoplastic Syndromes, Hereditary; Tumor predisposition; Hereditary neoplastic syndrome; Hereditary Cancer Syndrome. Identifiers: Orphanet 140162, MedGen C0027672, MeSH D009386, MONDO:0015356.

Allele frequency attached by ClinVar (database versions not stated): TOPMed below 0.00001.

Submissions (2):

Labcorp Genetics (formerly Invitae), Labcorp
Classification: Uncertain significance for Hereditary breast ovarian cancer syndrome. Last evaluated: 2025-05-15. Review status: criteria provided, single submitter. Criteria: Invitae Variant Classification Sherloc (09022015). Collection method: clinical testing. Allele origin: germline.
Comment: This sequence change replaces glutamic acid, which is acidic and polar, with lysine, which is basic and polar, at codon 3405 of the BRCA2 protein (p.Glu3405Lys). This variant is not present in population databases (gnomAD no frequency). This variant has not been reported in the literature in individuals affected with BRCA2-related conditions. ClinVar contains an entry for this variant (Variation ID: 840814). Invitae Evidence Modeling of protein sequence and biophysical properties (such as structural, functional, and spatial information, amino acid conservation, physicochemical variation, residue mobility, and thermodynamic stability) indicates that this missense variant is not expected to disrupt BRCA2 protein function with a negative predictive value of 95%. Algorithms developed to predict the effect of sequence changes on RNA splicing suggest that this variant may create or strengthen a splice site. In summary, the available evidence is currently insufficient to determine the role of this variant in disease. Therefore, it has been classified as a Variant of Uncertain Significance.

Color Diagnostics, LLC DBA Color Health
Classification: Uncertain significance for Hereditary cancer-predisposing syndrome. Last evaluated: 2024-03-07. Review status: criteria provided, single submitter. Criteria: ACMG Guidelines, 2015. Collection method: clinical testing. Allele origin: germline.
Comment: This missense variant replaces glutamic acid with lysine at codon 3405 of the BRCA2 protein. Computational prediction suggests that this variant may not impact protein structure and function (internally defined REVEL score threshold <= 0.5, PMID: 27666373). Splice site prediction tools suggest that this variant may not impact RNA splicing. To our knowledge, functional studies have not been performed for this variant. This variant has not been reported in individuals affected with hereditary cancer in the literature. This variant has not been identified in the general population by the Genome Aggregation Database (gnomAD). The available evidence is insufficient to determine the role of this variant in disease conclusively. Therefore, this variant is classified as a Variant of Uncertain Significance.